The following is an entry in ClinVar:

ClinVar aggregate classification (germline): Likely benign. Review status: criteria provided, multiple submitters, no conflicts (2 of 4 stars). 3 submissions from 3 submitters: Likely benign (3). Last evaluated 2025-12-21.

Conditions:
RASopathy. Also called: Noonan spectrum disorder; rasopathies. Identifiers: Orphanet 536391, MedGen C5555857, MONDO:0021060.
Cardiovascular phenotype. Identifiers: MedGen CN230736.

Allele frequency attached by ClinVar (database versions not stated): TOPMed below 0.00001.

Submissions (3):

Labcorp Genetics (formerly Invitae), Labcorp
Classification: Likely benign for RASopathy. Last evaluated: 2025-12-21. Review status: criteria provided, single submitter. Criteria: Invitae Variant Classification Sherloc (09022015). Collection method: clinical testing. Allele origin: germline.

Ambry Genetics
Classification: Likely benign for Cardiovascular phenotype. Last evaluated: 2023-08-13. Review status: criteria provided, single submitter. Criteria: Ambry Variant Classification Scheme 2023. Collection method: clinical testing. Allele origin: germline.

GeneDx
Classification: Likely benign. Last evaluated: 2018-03-14. Review status: criteria provided, single submitter. Criteria: GeneDx Variant Classification (06012015). Collection method: clinical testing. Allele origin: germline. Affected: yes.
Comment: This variant is considered likely benign or benign based on one or more of the following criteria: it is a conservative change, it occurs at a poorly conserved position in the protein, it is predicted to be benign by multiple in silico algorithms, and/or has population frequency not consistent with disease.

NM_002880.4(RAF1):c.1842G>C (p.Pro614=)

Gene: RAF1 (Raf-1 proto-oncogene, serine/threonine kinase; minus strand). Cytogenetic location: 3p25.2.
Variant type: single nucleotide variant.
Coding change: c.1842G>C on transcript NM_002880.4 (MANE Select); coding-DNA position 1842, G replaced by C.
Protein change: p.Pro614=; no amino-acid change (proline 614 retained).
Molecular consequence: synonymous variant. On other transcripts: non-coding transcript variant (3).
Genome position (GRCh38, 1-based): chr3:12,584,619, C>G on the plus strand (G>C on the coding strand, the complement: RAF1 is on the minus strand). VCF-style: chr3-12584619-C-G. GRCh37 (hg19) VCF-style: chr3-12626118-C-G.
Other names: c.1902G>C, p.Pro634= (NM_001354689.3); c.1842G>C, p.Pro614= (NM_001354690.3); c.1599G>C, p.Pro533= (NM_001354691.3, NM_001354692.3); c.1743G>C, p.Pro581= (NM_001354693.3); c.1659G>C, p.Pro553= (NM_001354694.3); c.1500G>C, p.Pro500= (NM_001354695.3).
Identifiers: ClinVar variation 561771 (VCV000561771.6), dbSNP rs200235582, ClinGen allele CA2259383.